The following is an entry in ClinVar:

ClinVar aggregate classification (germline): Uncertain significance. Review status: criteria provided, multiple submitters, no conflicts (2 of 4 stars). 2 submissions from 2 submitters: Uncertain significance (2). Last evaluated 2025-03-24.

Conditions:
Brugada syndrome. Also called: Sudden Unexplained Death Syndrome; Sudden Unexplained Nocturnal Death Syndrome (SUNDS); Sudden unexplained nocturnal death syndrome; Sudden unexpected nocturnal death syndrome. Identifiers: Orphanet 130, MedGen C1142166, MONDO:0015263.
Cardiovascular phenotype. Identifiers: MedGen CN230736.

Allele frequency attached by ClinVar (database versions not stated): gnomAD exomes below 0.00001 and 0.00001.

Submissions (2):

Labcorp Genetics (formerly Invitae), Labcorp
Classification: Uncertain significance for Brugada syndrome. Last evaluated: 2025-03-24. Review status: criteria provided, single submitter. Criteria: Invitae Variant Classification Sherloc (09022015). Collection method: clinical testing. Allele origin: germline.
Comment: This sequence change replaces methionine, which is neutral and non-polar, with valine, which is neutral and non-polar, at codon 1490 of the SCN10A protein (p.Met1490Val). This variant is present in population databases (no rsID available, gnomAD 0.0009%). This missense change has been observed in individual(s) with developmental disorder (PMID: 31785789, 33057194). This variant is also known as 3:38743519 T>C. ClinVar contains an entry for this variant (Variation ID: 578945). Invitae Evidence Modeling of protein sequence and biophysical properties (such as structural, functional, and spatial information, amino acid conservation, physicochemical variation, residue mobility, and thermodynamic stability) indicates that this missense variant is not expected to disrupt SCN10A protein function with a negative predictive value of 80%. In summary, the available evidence is currently insufficient to determine the role of this variant in disease. Therefore, it has been classified as a Variant of Uncertain Significance.

Ambry Genetics
Classification: Uncertain significance for Cardiovascular phenotype. Last evaluated: 2024-10-30. Review status: criteria provided, single submitter. Criteria: Ambry Variant Classification Scheme 2023. Collection method: clinical testing. Allele origin: germline.
Comment: The p.M1490V variant (also known as c.4468A>G), located in coding exon 26 of the SCN10A gene, results from an A to G substitution at nucleotide position 4468. The methionine at codon 1490 is replaced by valine, an amino acid with highly similar properties. This amino acid position is highly conserved in available vertebrate species. In addition, this alteration is predicted to be deleterious by in silico analysis. The evidence for this gene-disease relationship is limited; therefore, the clinical significance of this alteration is unclear.

Literature cited by the submitters: PubMed 31785789 (cited by Labcorp Genetics (formerly Invitae), Labcorp); PubMed 33057194 (cited by Labcorp Genetics (formerly Invitae), Labcorp).

NM_006514.4(SCN10A):c.4468A>G (p.Met1490Val)

Gene: SCN10A (sodium voltage-gated channel alpha subunit 10; minus strand). Cytogenetic location: 3p22.2.
Variant type: single nucleotide variant.
Coding change: c.4468A>G on transcript NM_006514.4 (MANE Select); coding-DNA position 4468, A replaced by G.
Protein change: p.Met1490Val; replaces methionine 1490 with valine.
Molecular consequence: missense variant.
Genome position (GRCh38, 1-based): chr3:38,702,028, T>C on the plus strand (A>G on the coding strand, the complement: SCN10A is on the minus strand). VCF-style: chr3-38702028-T-C. GRCh37 (hg19) VCF-style: chr3-38743519-T-C.
Other names: c.4468A>G (NM_006514.2); c.4465A>G, p.Met1489Val (NM_001293306.2); c.4174A>G, p.Met1392Val (NM_001293307.2); short protein forms M1490V, M1392V, M1489V.
Identifiers: ClinVar variation 578945 (VCV000578945.5), dbSNP rs1199205585, ClinGen allele CA352146755.